The following is an entry in ClinVar:

NM_000212.3(ITGB3):c.296del (p.Gly99fs)

Gene: ITGB3 (integrin subunit beta 3; plus strand). Cytogenetic location: 17q21.32.
Variant type: Deletion.
Coding change: c.296del on transcript NM_000212.3 (MANE Select); coding-DNA position 296, one base deleted (G; older notation c.296delG).
Protein change: p.Gly99fs; shifts the reading frame from glycine 99.
Molecular consequence: frameshift variant.
Genome position (GRCh38, 1-based): chr17:47,283,484, G deleted; the last of 3 consecutive G bases (chr17:47,283,482-47,283,484); deleting any one gives the same sequence. VCF-style (leftmost placement, unchanged base first): chr17-47283481-AG-A. GRCh37 (hg19) VCF-style: chr17-45360847-AG-A.
Other names: short protein forms G99fs.
Identifiers: ClinVar variation 3638607 (VCV003638607.2).
Genomic context (GRCh38, chr17:47,283,481, plus strand): 5'-AATCCATCGAGTTCCCAGTGAGTGAGGCCCGAGTACTAGAGGACAGGCCCCTCAGCGACA[AG>A]GGCTCTGGAGACAGCTCCCAGGTCACTCAAGTCAGTCCCCAGAGGATTGCACTCCGGCTC-3'

ClinVar aggregate classification (germline): Pathogenic (1 of 4 stars; one submission).

Submission:

Labcorp Genetics (formerly Invitae), Labcorp
Classification: Pathogenic. Last evaluated: 2024-02-03. Review status: criteria provided, single submitter. Criteria: Invitae Variant Classification Sherloc (09022015). Collection method: clinical testing. Allele origin: germline.
Comment: This sequence change creates a premature translational stop signal (p.Gly99Alafs*45) in the ITGB3 gene. It is expected to result in an absent or disrupted protein product. Loss-of-function variants in ITGB3 are known to be pathogenic (PMID: 21917754). This variant is not present in population databases (gnomAD no frequency). This variant has not been reported in the literature in individuals affected with ITGB3-related conditions. For these reasons, this variant has been classified as Pathogenic.

Literature cited by the submitters: PubMed 21917754.